The following is an entry in ClinVar:

NM_002184.4(IL6ST):c.2563C>G (p.His855Asp)

Gene: IL6ST (interleukin 6 cytokine family signal transducer; minus strand). Cytogenetic location: 5q11.2.
Variant type: single nucleotide variant.
Coding change: c.2563C>G on transcript NM_002184.4 (MANE Select); coding-DNA position 2563, C replaced by G.
Protein change: p.His855Asp; replaces histidine 855 with aspartic acid.
Molecular consequence: missense variant. On other transcripts: 3 prime UTR variant (1), non-coding transcript variant (2).
Genome position (GRCh38, 1-based): chr5:55,941,276, G>C on the plus strand (C>G on the coding strand, the complement: IL6ST is on the minus strand). VCF-style: chr5-55941276-G-C. GRCh37 (hg19) VCF-style: chr5-55237104-G-C.
Other names: c.2380C>G, p.His794Asp (NM_001190981.2); c.2461C>G, p.His821Asp (NM_001364275.2); c.2353C>G, p.His785Asp (NM_001364276.2); c.1696C>G, p.His566Asp (NM_001364277.2); c.1660C>G, p.His554Asp (NM_001364278.2); c.1567C>G, p.His523Asp (NM_001364279.2); c.*1490C>G (NM_175767.3); short protein forms H554D, H821D, H523D, H566D, H855D, H785D, H794D.
Identifiers: ClinVar variation 4713432 (VCV004713432.1).
Genomic context (GRCh38, chr5:55,941,276, plus strand): 5'-CTGCTGCAGAAACTTCCTGAAACATTTTCATTTGCCCAGATCCACAGGATTGTGAAATAT[G>C]ATCTGAAATCTGCTGTTTAAGTCTAACAAAATCTTCCTCATTGACTGATGAAACTTGCTT-3'
Protein context (NP_002175.2, residues 845-865): FVRLKQQISD[His855Asp]ISQSCGSGQM

ClinVar aggregate classification (germline): Uncertain significance (1 of 4 stars; one submission).

gnomAD v4.1: 5 of 1,614,054 alleles (0.00031%); highest among the groups gnomAD compares: Non-Finnish European, 0.00042%; no homozygotes.

Submission:

Labcorp Genetics (formerly Invitae), Labcorp
Classification: Uncertain significance. Last evaluated: 2025-02-28. Review status: criteria provided, single submitter. Criteria: Invitae Variant Classification Sherloc (09022015). Collection method: clinical testing. Allele origin: germline.
Comment: This sequence change replaces histidine, which is basic and polar, with aspartic acid, which is acidic and polar, at codon 855 of the IL6ST protein (p.His855Asp). This variant is not present in population databases (gnomAD no frequency). This variant has not been reported in the literature in individuals affected with IL6ST-related conditions. An algorithm developed to predict the effect of missense changes on protein structure and function (PolyPhen-2) suggests that this variant is likely to be tolerated. In summary, the available evidence is currently insufficient to determine the role of this variant in disease. Therefore, it has been classified as a Variant of Uncertain Significance.